The following is an entry in ClinVar:

NM_000540.3(RYR1):c.11504T>G (p.Met3835Arg)

Gene: RYR1 (ryanodine receptor 1; plus strand). Cytogenetic location: 19q13.2.
Variant type: single nucleotide variant.
Coding change: c.11504T>G on transcript NM_000540.3 (MANE Select); coding-DNA position 11504, T replaced by G.
Protein change: p.Met3835Arg; replaces methionine 3835 with arginine.
Molecular consequence: missense variant.
Genome position (GRCh38, 1-based): chr19:38,535,380, T>G. VCF-style: chr19-38535380-T-G. GRCh37 (hg19) VCF-style: chr19-39026020-T-G.
Other names: c.11489T>G, p.Met3830Arg (NM_001042723.2); short protein forms M3835R, M3830R.
Identifiers: ClinVar variation 2202178 (VCV002202178.4), dbSNP rs2514531959, ClinGen allele CA405656167.

ClinVar aggregate classification (germline): Uncertain significance (1 of 4 stars; one submission).

Conditions:
RYR1-related disorder. Also called: RYR1-related condition; RYR1-related disorders. Identifiers: MedGen CN239331.

Submission:

Labcorp Genetics (formerly Invitae), Labcorp
Classification: Uncertain significance for RYR1-related disorder. Last evaluated: 2025-08-18. Review status: criteria provided, single submitter. Criteria: Invitae Variant Classification Sherloc (09022015). Collection method: clinical testing. Allele origin: germline.
Comment: This sequence change replaces methionine, which is neutral and non-polar, with arginine, which is basic and polar, at codon 3835 of the RYR1 protein (p.Met3835Arg). This variant is not present in population databases (gnomAD no frequency). This variant has not been reported in the literature in individuals affected with RYR1-related conditions. ClinVar contains an entry for this variant (Variation ID: 2202178). Invitae Evidence Modeling of protein sequence and biophysical properties (such as structural, functional, and spatial information, amino acid conservation, physicochemical variation, residue mobility, and thermodynamic stability) indicates that this missense variant is expected to disrupt RYR1 protein function with a positive predictive value of 80%. In summary, the available evidence is currently insufficient to determine the role of this variant in disease. Therefore, it has been classified as a Variant of Uncertain Significance.